The following is an entry in ClinVar:

ClinVar aggregate classification (germline): Uncertain significance. Review status: criteria provided, multiple submitters, no conflicts (2 of 4 stars). 2 submissions from 2 submitters: Uncertain significance (2). Last evaluated 2026-01-12.

Conditions:
Brugada syndrome. Also called: Sudden unexpected nocturnal death syndrome; Sudden unexplained nocturnal death syndrome; Sudden Unexplained Death Syndrome; Sudden Unexplained Nocturnal Death Syndrome (SUNDS). Identifiers: Orphanet 130, MedGen C1142166, MONDO:0015263.

Allele frequency attached by ClinVar (database versions not stated): gnomAD exomes below 0.00001; TOPMed below 0.00001; ExAC 0.00001; gnomAD 0.00001.
gnomAD v4.1: 9 of 1,614,014 alleles (0.00056%); highest among the groups gnomAD compares: East Asian, 0.0022%; no homozygotes.

Submissions (2):

Labcorp Genetics (formerly Invitae), Labcorp
Classification: Uncertain significance for Brugada syndrome. Last evaluated: 2026-01-12. Review status: criteria provided, single submitter. Criteria: Invitae Variant Classification Sherloc (09022015). Collection method: clinical testing. Allele origin: germline.
Comment: This sequence change replaces glutamic acid, which is acidic and polar, with lysine, which is basic and polar, at codon 1522 of the SCN10A protein (p.Glu1522Lys). This variant is present in population databases (rs760978530, gnomAD 0.005%). This variant has not been reported in the literature in individuals affected with SCN10A-related conditions. ClinVar contains an entry for this variant (Variation ID: 2193283). Invitae Evidence Modeling of protein sequence and biophysical properties (such as structural, functional, and spatial information, amino acid conservation, physicochemical variation, residue mobility, and thermodynamic stability) indicates that this missense variant is expected to disrupt SCN10A protein function with a positive predictive value of 80%. In summary, the available evidence is currently insufficient to determine the role of this variant in disease. Therefore, it has been classified as a Variant of Uncertain Significance.

CeGaT Center for Human Genetics Tuebingen
Classification: Uncertain significance. Last evaluated: 2025-06-01. Review status: criteria provided, single submitter. Criteria: CeGaT Center For Human Genetics Tuebingen Variant Classification Criteria Version 2. Collection method: clinical testing. Allele origin: germline. Affected: yes. Observed: 1 variant allele.

NM_006514.4(SCN10A):c.4564G>A (p.Glu1522Lys)

Gene: SCN10A (sodium voltage-gated channel alpha subunit 10; minus strand). Cytogenetic location: 3p22.2.
Variant type: single nucleotide variant.
Coding change: c.4564G>A on transcript NM_006514.4 (MANE Select); coding-DNA position 4564, G replaced by A.
Protein change: p.Glu1522Lys; replaces glutamic acid 1522 with lysine.
Molecular consequence: missense variant.
Genome position (GRCh38, 1-based): chr3:38,701,932, C>T on the plus strand (G>A on the coding strand, the complement: SCN10A is on the minus strand). VCF-style: chr3-38701932-C-T. GRCh37 (hg19) VCF-style: chr3-38743423-C-T.
Other names: c.4561G>A, p.Glu1521Lys (NM_001293306.2); c.4270G>A, p.Glu1424Lys (NM_001293307.2); short protein forms E1424K, E1522K, E1521K.
Identifiers: ClinVar variation 2193283 (VCV002193283.14), dbSNP rs760978530, ClinGen allele CA2319873.